The following is an entry in ClinVar:

NM_001164508.2(NEB):c.18488C>T (p.Ala6163Val)

Gene: NEB (nebulin; minus strand). Cytogenetic location: 2q23.3.
Variant type: single nucleotide variant.
Coding change: c.18488C>T on transcript NM_001164508.2 (MANE Select); coding-DNA position 18488, C replaced by T.
Protein change: p.Ala6163Val; replaces alanine 6163 with valine.
Molecular consequence: missense variant.
Genome position (GRCh38, 1-based): chr2:151,563,914, G>A on the plus strand (C>T on the coding strand, the complement: NEB is on the minus strand). VCF-style: chr2-151563914-G-A. GRCh37 (hg19) VCF-style: chr2-152420428-G-A.
Other names: c.18488C>T, p.Ala6163Val (NM_001164507.2, NM_001271208.2); c.13385C>T, p.Ala4462Val (NM_004543.5); short protein forms A6163V, A4462V.
Identifiers: ClinVar variation 331456 (VCV000331456.41), dbSNP rs201529683, ClinGen allele CA1907944.

ClinVar aggregate classification (germline): Conflicting classifications of pathogenicity. Review status: criteria provided, conflicting classifications (1 of 4 stars). 6 submissions from 6 submitters: Uncertain significance (4); Benign (1). 1 of the submissions does not count toward it. Last evaluated 2026-02-07.

Conditions:
Nemaline myopathy 2 (NEM2). Also called: Nemaline myopathy 2, autosomal recessive. Identifiers: MedGen C1850569, MONDO:0009725, OMIM 256030.

Allele frequency attached by ClinVar (database versions not stated): gnomAD exomes 0.00007 and 0.00011; ESP Exome Variant Server 0.00008; gnomAD 0.00009 and 0.00011; ExAC 0.00010; TOPMed 0.00015.
gnomAD v4.1: 169 of 1,608,072 alleles (0.011%); highest among the groups gnomAD compares: East Asian, 0.056%; no homozygotes.

Submissions (6):

GeneDx
Classification: Uncertain significance. Last evaluated: 2026-02-07. Review status: criteria provided, single submitter. Criteria: GeneDx Variant Classification Process June 2021. Collection method: clinical testing. Allele origin: germline.
Comment: In silico analysis supports that this missense variant has a deleterious effect on protein structure/function; Has not been previously published as pathogenic or benign to our knowledge

Labcorp Genetics (formerly Invitae), Labcorp
Classification: Benign for Nemaline myopathy 2. Last evaluated: 2026-01-18. Review status: criteria provided, single submitter. Criteria: Invitae Variant Classification Sherloc (09022015). Collection method: clinical testing. Allele origin: germline.

Revvity Omics, Revvity
Classification: Uncertain significance. Last evaluated: 2025-06-20. Review status: criteria provided, single submitter. Criteria: ACMG Guidelines, 2015. Collection method: clinical testing. Allele origin: germline.

CeGaT Center for Human Genetics Tuebingen
Classification: Uncertain significance. Last evaluated: 2023-03-01. Review status: criteria provided, single submitter. Criteria: CeGaT Center For Human Genetics Tuebingen Variant Classification Criteria Version 2. Collection method: clinical testing. Allele origin: germline. Affected: yes. Observed: 1 variant allele.

Illumina Laboratory Services, Illumina
Classification: Uncertain significance for Nemaline myopathy 2. Last evaluated: 2018-01-12. Review status: criteria provided, single submitter. Criteria: ICSL Variant Classification Criteria 13 December 2019. Collection method: clinical testing. Allele origin: germline.

Natera, Inc.
Classification: Uncertain significance for Nemaline myopathy type 2. Last evaluated: 2019-11-11. Review status: no assertion criteria provided. Collection method: clinical testing. Allele origin: germline. Not counted in ClinVar's aggregate classification.